The following is an entry in ClinVar:

ClinVar aggregate classification (germline): Uncertain significance (1 of 4 stars; one submission).

Conditions:
Familial thoracic aortic aneurysm and aortic dissection (TAAD). Also called: Thoracic aortic aneurysms and dissections. Identifiers: Orphanet 91387, MedGen C4707243, MONDO:0019625.

Submission:

Ambry Genetics
Classification: Uncertain significance for Familial thoracic aortic aneurysm and aortic dissection. Last evaluated: 2026-08-08. Review status: criteria provided, single submitter. Criteria: Ambry Variant Classification Scheme 2023. Collection method: clinical testing. Allele origin: germline.
Comment: The p.L1053Q variant (also known as c.3158T>A), located in coding exon 24 of the MYH11 gene, results from a T to A substitution at nucleotide position 3158. The leucine at codon 1053 is replaced by glutamine, an amino acid with dissimilar properties. This amino acid position is conserved. In addition, the in silico prediction for this alteration is inconclusive. Based on the available evidence, the clinical significance of this variant remains unclear.

NM_002474.3(MYH11):c.3158T>A (p.Leu1053Gln)

Gene: MYH11 (myosin heavy chain 11; minus strand). Cytogenetic location: 16p13.11.
Variant type: single nucleotide variant.
Coding change: c.3158T>A on transcript NM_002474.3 (MANE Select); coding-DNA position 3158, T replaced by A.
Protein change: p.Leu1053Gln; replaces leucine 1053 with glutamine.
Molecular consequence: missense variant.
Genome position (GRCh38, 1-based): chr16:15,737,584, A>T on the plus strand (T>A on the coding strand, the complement: MYH11 is on the minus strand). VCF-style: chr16-15737584-A-T. GRCh37 (hg19) VCF-style: chr16-15831441-A-T.
Other names: c.3179T>A, p.Leu1060Gln (NM_001040113.2, NM_001040114.2); c.3158T>A, p.Leu1053Gln (NM_022844.3); short protein forms L1053Q, L1060Q.
Identifiers: ClinVar variation 5025094 (VCV005025094.1).